The following is an entry in ClinVar:

NM_004239.4(TRIP11):c.4922T>C (p.Leu1641Ser)

Gene: TRIP11 (thyroid hormone receptor interactor 11; minus strand). Cytogenetic location: 14q32.12.
Variant type: single nucleotide variant.
Coding change: c.4922T>C on transcript NM_004239.4 (MANE Select); coding-DNA position 4922, T replaced by C.
Protein change: p.Leu1641Ser; replaces leucine 1641 with serine.
Molecular consequence: missense variant.
Genome position (GRCh38, 1-based): chr14:91,995,486, A>G on the plus strand (T>C on the coding strand, the complement: TRIP11 is on the minus strand). VCF-style: chr14-91995486-A-G. GRCh37 (hg19) VCF-style: chr14-92461830-A-G.
Other names: c.4919T>C, p.Leu1640Ser (NM_001321851.1); short protein forms L1640S, L1641S.
Identifiers: ClinVar variation 2151233 (VCV002151233.3), dbSNP rs750862143, ClinGen allele CA7313332.

ClinVar aggregate classification (germline): Uncertain significance (1 of 4 stars; one submission).

Conditions:
Achondrogenesis, type IA (ACG1A). Identifiers: Orphanet 932, Orphanet 93299, MedGen C0265273, MONDO:0008701, OMIM 200600.

Allele frequency attached by ClinVar (database versions not stated): ExAC 0.00001; gnomAD exomes 0.00001; TOPMed 0.00001; gnomAD 0.00002.

Submission:

Labcorp Genetics (formerly Invitae), Labcorp
Classification: Uncertain significance for Achondrogenesis, type IA. Last evaluated: 2026-01-12. Review status: criteria provided, single submitter. Criteria: Invitae Variant Classification Sherloc (09022015). Collection method: clinical testing. Allele origin: germline.
Comment: This sequence change replaces leucine, which is neutral and non-polar, with serine, which is neutral and polar, at codon 1641 of the TRIP11 protein (p.Leu1641Ser). This variant is present in population databases (rs750862143, gnomAD 0.004%). This variant has not been reported in the literature in individuals affected with TRIP11-related conditions. ClinVar contains an entry for this variant (Variation ID: 2151233). Invitae Evidence Modeling of protein sequence and biophysical properties (such as structural, functional, and spatial information, amino acid conservation, physicochemical variation, residue mobility, and thermodynamic stability) has been performed for this missense variant. However, the output from this modeling did not meet the statistical confidence thresholds required to predict the impact of this variant on TRIP11 protein function. In summary, the available evidence is currently insufficient to determine the role of this variant in disease. Therefore, it has been classified as a Variant of Uncertain Significance.